The following is an entry in ClinVar:

ClinVar aggregate classification (germline): Uncertain significance (1 of 4 stars; one submission).

Conditions:
NRP2-related disorder. Also called: NRP2-related condition.

gnomAD v4.1: 5 of 1,614,076 alleles (0.00031%); highest among the groups gnomAD compares: Non-Finnish European, 0.00034%; no homozygotes.

Submission:

PreventionGenetics, part of Exact Sciences
Classification: Uncertain significance for NRP2-related condition. Last evaluated: 2025-06-26. Review status: criteria provided, single submitter. Criteria: ACMG Guidelines, 2015. Collection method: clinical testing. Allele origin: germline.
Comment: The NRP2 c.1244A>T variant is predicted to result in the amino acid substitution p.His415Leu. To our knowledge, this variant has not been reported in the literature. This variant is reported in 0.00088% of alleles in individuals of European (Non-Finnish) descent in gnomAD. At this time, the clinical significance of this variant is uncertain due to the absence of conclusive functional and genetic evidence.

NM_003872.3(NRP2):c.1244A>T (p.His415Leu)

Gene: NRP2 (neuropilin 2; plus strand). Cytogenetic location: 2q33.3.
Variant type: single nucleotide variant.
Coding change: c.1244A>T on transcript NM_003872.3 (MANE Select); coding-DNA position 1244, A replaced by T.
Protein change: p.His415Leu; replaces histidine 415 with leucine.
Molecular consequence: missense variant.
Genome position (GRCh38, 1-based): chr2:205,740,616, A>T. VCF-style: chr2-205740616-A-T. GRCh37 (hg19) VCF-style: chr2-206605340-A-T.
Other names: c.1244A>T, p.His415Leu (NM_018534.4, NM_201264.2, NM_201266.2 and 2 more transcripts); short protein forms H415L.
Identifiers: ClinVar variation 4983914 (VCV004983914.1).